The following is an entry in ClinVar:

NM_000293.3(PHKB):c.1976dup (p.Ile660fs)

Gene: PHKB (phosphorylase kinase regulatory subunit beta; plus strand). Cytogenetic location: 16q12.1.
Variant type: Duplication.
Coding change: c.1976dup on transcript NM_000293.3 (MANE Select); coding-DNA position 1976, one base duplicated (T; older notation c.1976dupT).
Protein change: p.Ile660fs; shifts the reading frame from isoleucine 660.
Molecular consequence: frameshift variant.
Genome position (GRCh38, 1-based): chr16:47,660,510, T duplicated. VCF-style (leftmost placement, unchanged base first): chr16-47660509-C-CT. GRCh37 (hg19) VCF-style: chr16-47694420-C-CT.
Other names: c.1955dup, p.Ile653fs (NM_001031835.3); c.1976dup, p.Ile660fs (NM_001363837.1); short protein forms I660fs, I653fs.
Identifiers: ClinVar variation 4736560 (VCV004736560.1).

ClinVar aggregate classification (germline): Pathogenic (1 of 4 stars; one submission).

Conditions:
Glycogen storage disease IXb (GSD9B). Also called: GLYCOGENOSIS OF LIVER AND MUSCLE, AUTOSOMAL RECESSIVE; GSD IXb; PHOSPHORYLASE KINASE DEFICIENCY OF LIVER AND MUSCLE, AUTOSOMAL RECESSIVE. Identifiers: Orphanet 79240, MedGen C0543514, MONDO:0009868, OMIM 261750.

Submission:

Labcorp Genetics (formerly Invitae), Labcorp
Classification: Pathogenic for Glycogen storage disease IXb. Last evaluated: 2026-02-02. Review status: criteria provided, single submitter. Criteria: Invitae Variant Classification Sherloc (09022015). Collection method: clinical testing. Allele origin: germline.
Comment: This sequence change creates a premature translational stop signal (p.Ile660Asnfs*10) in the PHKB gene. It is expected to result in an absent or disrupted protein product. Loss-of-function variants in PHKB are known to be pathogenic (PMID: 9215682, 9326319). This variant is not present in population databases (gnomAD no frequency). This variant has not been reported in the literature in individuals affected with PHKB-related conditions. For these reasons, this variant has been classified as Pathogenic.

Literature cited by the submitters: PubMed 9215682; PubMed 9326319.